The following is an entry in ClinVar:

NM_005802.5(TOPORS):c.737C>G (p.Ser246Cys)

Gene: TOPORS (TOP1 binding arginine/serine rich protein, E3 ubiquitin ligase; minus strand). Cytogenetic location: 9p21.1.
Variant type: single nucleotide variant.
Coding change: c.737C>G on transcript NM_005802.5 (MANE Select); coding-DNA position 737, C replaced by G.
Protein change: p.Ser246Cys; replaces serine 246 with cysteine.
Molecular consequence: missense variant.
Genome position (GRCh38, 1-based): chr9:32,543,788, G>C on the plus strand (C>G on the coding strand, the complement: TOPORS is on the minus strand). VCF-style: chr9-32543788-G-C. GRCh37 (hg19) VCF-style: chr9-32543786-G-C.
Other names: c.542C>G, p.Ser181Cys (NM_001195622.2); short protein forms S181C, S246C.
Identifiers: ClinVar variation 3544468 (VCV003544468.1).

ClinVar aggregate classification (germline): Uncertain significance (1 of 4 stars; one submission).

Conditions:
Choroideremia. Also called: Chorioretinal scalloped atrophy. Identifiers: Orphanet 180, MedGen C0008525, MONDO:0010557, OMIM 303100, HP:0001139.

gnomAD v4.1: 1 of 1,612,158 alleles (0.000062%); highest among the groups gnomAD compares: Non-Finnish European, 0.000085%; no homozygotes.

Submission:

Lab De Baere, Eye and Developmental Genetics Lab, Ghent University
Classification: Uncertain significance for Choroideremia. Last evaluated: 2024-10-01. Review status: criteria provided, single submitter. Criteria: ACMG Guidelines, 2015. Collection method: research. Allele origin: inherited. Affected: yes. Observed: 1 variant allele.
Comment: ACMG/AMP guidelines: PM2, BP1, BP4, PP1